The following is an entry in ClinVar:

NM_000059.4(BRCA2):c.7050C>T (p.Thr2350=)

Gene: BRCA2 (BRCA2 DNA repair associated; plus strand). Cytogenetic location: 13q13.1.
Variant type: single nucleotide variant.
Coding change: c.7050C>T on transcript NM_000059.4 (MANE Select); coding-DNA position 7050, C replaced by T.
Protein change: p.Thr2350=; no amino-acid change (threonine 2350 retained).
Molecular consequence: synonymous variant.
Genome position (GRCh38, 1-based): chr13:32,354,903, C>T. VCF-style: chr13-32354903-C-T. GRCh37 (hg19) VCF-style: chr13-32929040-C-T.
Other names: p.T2350T:ACC>ACT.
Identifiers: ClinVar variation 136566 (VCV000136566.33), dbSNP rs587780870, ClinGen allele CA024795.

ClinVar aggregate classification (germline): Likely benign. Review status: reviewed by expert panel (3 of 4 stars). 12 submissions from 12 submitters: Likely benign (1). 11 of the submissions do not count toward it. Last evaluated 2017-06-29.

Conditions:
Hereditary cancer-predisposing syndrome. Also called: Tumor predisposition; Hereditary neoplastic syndrome; Hereditary Cancer Syndrome; Neoplastic Syndromes, Hereditary. Identifiers: Orphanet 140162, MedGen C0027672, MeSH D009386, MONDO:0015356.
Hereditary breast ovarian cancer syndrome. Also called: Hereditary breast and ovarian cancer; Hereditary breast and/or ovarian cancer syndrome; BRCA1- and BRCA2-Associated Hereditary Breast and Ovarian Cancer; Hereditary breast and ovarian cancer syndrome (HBOC); Hereditary breast and ovarian cancer syndrome; Breast and ovarian cancer. Identifiers: Orphanet 145, MedGen C0677776, MeSH D061325, MONDO:0003582. Disease mechanism: loss of function.
Breast-ovarian cancer, familial, susceptibility to, 2 (BROVCA2). Also called: BRCA2 Hereditary Breast and Ovarian Cancer. Identifiers: Orphanet 145, MedGen C2675520, MONDO:0012933, OMIM 612555. Disease mechanism: loss of function.

Allele frequency attached by ClinVar (database versions not stated): ExAC 0.00001; gnomAD exomes 0.00001 and 0.00002; TOPMed 0.00003; gnomAD 0.00005 and 0.00006.
gnomAD v4.1: 34 of 1,613,204 alleles (0.0021%); highest among the groups gnomAD compares: East Asian, 0.025%; no homozygotes.

Submissions (12):

Evidence-based Network for the Interpretation of Germline Mutant Alleles (ENIGMA)
Classification: Likely benign for Breast-ovarian cancer, familial, susceptibility to, 2. Last evaluated: 2017-06-29. Review status: reviewed by expert panel. Criteria: ENIGMA BRCA1/2 Classification Criteria (2017-06-29). Collection method: curation. Allele origin: germline.
Comment: Synonymous substitution variant, with low bioinformatic likelihood to result in a splicing aberration (Splicing prior probability 0.02).

Labcorp Genetics (formerly Invitae), Labcorp
Classification: Likely benign for Hereditary breast ovarian cancer syndrome. Last evaluated: 2026-01-13. Review status: criteria provided, single submitter. Criteria: Invitae Variant Classification Sherloc (09022015). Collection method: clinical testing. Allele origin: germline. Not counted in ClinVar's aggregate classification.

CeGaT Center for Human Genetics Tuebingen
Classification: Likely benign. Last evaluated: 2025-12-01. Review status: criteria provided, single submitter. Criteria: CeGaT Center For Human Genetics Tuebingen Variant Classification Criteria Version 2. Collection method: clinical testing. Allele origin: germline. Affected: yes. Observed: 1 variant allele. Not counted in ClinVar's aggregate classification.
Comment: BRCA2: BP4, BP7

All of Us Research Program, National Institutes of Health
Classification: Likely benign for Breast-ovarian cancer, familial, susceptibility to, 2. Last evaluated: 2023-12-13. Review status: criteria provided, single submitter. Criteria: ACMG Guidelines, 2015. Collection method: clinical testing. Allele origin: germline. Inheritance: Autosomal dominant inheritance. Observed: 7 variant alleles, 7 heterozygotes. Not counted in ClinVar's aggregate classification.
Comment: This study involves interpretation of variants in research participants for the purpose of population health screening. Participant phenotype was not available at the time of variant classification. Additional details can be found in publication PMID: 35346344, PMCID: PMC8962531

Women's Health and Genetics/Laboratory Corporation of America, LabCorp
Classification: Likely benign. Last evaluated: 2020-11-25. Review status: criteria provided, single submitter. Criteria: LabCorp Variant Classification Summary - May 2015. Collection method: clinical testing. Allele origin: germline. Not counted in ClinVar's aggregate classification.

Mendelics
Classification: Likely benign for Breast-ovarian cancer, familial, susceptibility to, 2. Last evaluated: 2019-05-28. Review status: criteria provided, single submitter. Criteria: Mendelics Assertion Criteria 2017. Collection method: clinical testing. Allele origin: unknown. Not counted in ClinVar's aggregate classification.

PreventionGenetics, part of Exact Sciences
Classification: Likely benign. Last evaluated: 2017-05-26. Review status: criteria provided, single submitter. Criteria: ACMG Guidelines, 2015. Collection method: clinical testing. Allele origin: germline. Not counted in ClinVar's aggregate classification.

Color Diagnostics, LLC DBA Color Health
Classification: Likely benign for Hereditary cancer-predisposing syndrome. Last evaluated: 2017-02-13. Review status: criteria provided, single submitter. Criteria: ACMG Guidelines, 2015. Collection method: clinical testing. Allele origin: germline. Not counted in ClinVar's aggregate classification.

Ambry Genetics
Classification: Likely benign for Hereditary cancer-predisposing syndrome. Last evaluated: 2015-03-10. Review status: criteria provided, single submitter. Criteria: Ambry Variant Classification Scheme 2023. Collection method: clinical testing. Allele origin: germline. Not counted in ClinVar's aggregate classification.

GeneDx
Classification: Benign. Last evaluated: 2014-04-24. Review status: criteria provided, single submitter. Criteria: GeneDx Variant Classification (06012015). Collection method: clinical testing. Allele origin: germline. Affected: yes. Not counted in ClinVar's aggregate classification.
Comment: This variant is considered likely benign or benign based on one or more of the following criteria: it is a conservative change, it occurs at a poorly conserved position in the protein, it is predicted to be benign by multiple in silico algorithms, and/or has population frequency not consistent with disease.

Clinical Genetics DNA and cytogenetics Diagnostics Lab, Erasmus MC, Erasmus Medical Center
Classification: Likely benign. Review status: no assertion criteria provided. Collection method: clinical testing. Allele origin: germline. Affected: yes. Study: VKGL Data-share Consensus. Not counted in ClinVar's aggregate classification.

Clinical Genetics Laboratory, Department of Pathology, Netherlands Cancer Institute
Classification: Likely benign. Review status: no assertion criteria provided. Collection method: clinical testing. Allele origin: germline. Affected: yes. Study: VKGL Data-share Consensus. Not counted in ClinVar's aggregate classification.